The following is an entry in ClinVar:

ClinVar aggregate classification (germline): Uncertain significance. Review status: criteria provided, multiple submitters, no conflicts (2 of 4 stars). 2 submissions from 2 submitters: Uncertain significance (2). Last evaluated 2025-03-17.

gnomAD v4.1: 36 of 1,614,034 alleles (0.0022%); highest among the groups gnomAD compares: African/African-American, 0.045%; no homozygotes.

Submissions (2):

Ambry Genetics
Classification: Uncertain significance. Last evaluated: 2025-03-17. Review status: criteria provided, single submitter. Criteria: Ambry Variant Classification Scheme 2023. Collection method: clinical testing. Allele origin: germline.

Labcorp Genetics (formerly Invitae), Labcorp
Classification: Uncertain significance. Last evaluated: 2024-06-12. Review status: criteria provided, single submitter. Criteria: Invitae Variant Classification Sherloc (09022015). Collection method: clinical testing. Allele origin: germline.
Comment: This sequence change replaces methionine, which is neutral and non-polar, with threonine, which is neutral and polar, at codon 684 of the MCM4 protein (p.Met684Thr). This variant is present in population databases (rs148857053, gnomAD 0.05%). This variant has not been reported in the literature in individuals affected with MCM4-related conditions. Advanced modeling of protein sequence and biophysical properties (such as structural, functional, and spatial information, amino acid conservation, physicochemical variation, residue mobility, and thermodynamic stability) performed at Invitae indicates that this missense variant is not expected to disrupt MCM4 protein function with a negative predictive value of 80%. In summary, the available evidence is currently insufficient to determine the role of this variant in disease. Therefore, it has been classified as a Variant of Uncertain Significance.

NM_182746.3(MCM4):c.2051T>C (p.Met684Thr)

Gene: MCM4 (minichromosome maintenance complex component 4; plus strand). Cytogenetic location: 8q11.21.
Variant type: single nucleotide variant.
Coding change: c.2051T>C on transcript NM_182746.3 (MANE Select); coding-DNA position 2051, T replaced by C.
Protein change: p.Met684Thr; replaces methionine 684 with threonine.
Molecular consequence: missense variant.
Genome position (GRCh38, 1-based): chr8:47,972,979, T>C. VCF-style: chr8-47972979-T-C. GRCh37 (hg19) VCF-style: chr8-48885539-T-C.
Other names: c.2051T>C, p.Met684Thr (NM_005914.4); c.2051T>C (NM_005914.3); short protein forms M684T.
Identifiers: ClinVar variation 3624055 (VCV003624055.2).